The following is an entry in ClinVar:

NM_001231.5(CASQ1):c.225dup (p.Glu76fs)

Gene: CASQ1 (calsequestrin 1; plus strand). Cytogenetic location: 1q23.2.
Variant type: Duplication.
Coding change: c.225dup on transcript NM_001231.5 (MANE Select); coding-DNA position 225, one base duplicated (C; older notation c.225dupC).
Protein change: p.Glu76fs; shifts the reading frame from glutamic acid 76.
Molecular consequence: frameshift variant.
Genome position (GRCh38, 1-based): chr1:160,190,976, C duplicated; the last of 6 consecutive C bases (chr1:160,190,971-160,190,976); duplicating any one gives the same sequence. VCF-style (leftmost placement, unchanged base first): chr1-160190970-A-AC. GRCh37 (hg19) VCF-style: chr1-160160760-A-AC.
Other names: short protein forms E76fs.
Identifiers: ClinVar variation 3893588 (VCV003893588.1).

ClinVar aggregate classification (germline): Uncertain significance (1 of 4 stars; one submission).

Submission:

GeneDx
Classification: Uncertain significance. Last evaluated: 2024-10-28. Review status: criteria provided, single submitter. Criteria: GeneDx Variant Classification Process June 2021. Collection method: clinical testing. Allele origin: germline. Affected: yes.
Comment: Not observed at significant frequency in large population cohorts (gnomAD); Has not been previously published as pathogenic or benign to our knowledge; Frameshift variant predicted to result in protein truncation or nonsense mediated decay in a gene for which loss-of-function is not an established mechanism of disease